The following is an entry in ClinVar:

ClinVar aggregate classification (germline): Uncertain significance. Review status: criteria provided, multiple submitters, no conflicts (2 of 4 stars). 3 submissions from 3 submitters: Uncertain significance (3). Last evaluated 2025-08-27.

Conditions:
Inborn genetic diseases. Identifiers: MedGen C0950123, MeSH D030342.
Bronchiectasis with or without elevated sweat chloride 1 (BESC1). Also called: Cystic Fibrosis-Like Syndrome. Identifiers: Orphanet 60033, MedGen C2749757, MONDO:0008887, OMIM 211400.

Allele frequency attached by ClinVar (database versions not stated): ExAC 0.00012; gnomAD 0.00012; TOPMed 0.00012; ESP Exome Variant Server 0.00023.

Submissions (3):

Ambry Genetics
Classification: Uncertain significance for Inborn genetic diseases. Last evaluated: 2025-08-27. Review status: criteria provided, single submitter. Criteria: Ambry Variant Classification Scheme 2023. Collection method: clinical testing. Allele origin: germline.

Labcorp Genetics (formerly Invitae), Labcorp
Classification: Uncertain significance. Last evaluated: 2025-04-17. Review status: criteria provided, single submitter. Criteria: Invitae Variant Classification Sherloc (09022015). Collection method: clinical testing. Allele origin: germline.
Comment: This sequence change replaces methionine, which is neutral and non-polar, with threonine, which is neutral and polar, at codon 443 of the SCNN1B protein (p.Met443Thr). This variant is present in population databases (rs142572398, gnomAD 0.03%). This variant has not been reported in the literature in individuals affected with SCNN1B-related conditions. ClinVar contains an entry for this variant (Variation ID: 2575223). Invitae Evidence Modeling of protein sequence and biophysical properties (such as structural, functional, and spatial information, amino acid conservation, physicochemical variation, residue mobility, and thermodynamic stability) indicates that this missense variant is not expected to disrupt SCNN1B protein function with a negative predictive value of 80%. In summary, the available evidence is currently insufficient to determine the role of this variant in disease. Therefore, it has been classified as a Variant of Uncertain Significance.

Johns Hopkins Genomics, Johns Hopkins University
Classification: Uncertain significance for Bronchiectasis with or without elevated sweat chloride 1. Last evaluated: 2023-07-07. Review status: criteria provided, single submitter. Criteria: ACMG Guidelines, 2015. Collection method: clinical testing. Allele origin: germline.
Comment: This SCNN1B missense variant (rs142572398) is rare (<0.1%) in a large population dataset (gnomADv2.1.1: 36/282770 total alleles; 0.01273%; no homozygotes) and has not been reported in ClinVar nor the literature, to our knowledge. Two bioinformatic tools queried predict that the substitution would be tolerated but these algorithms have low specificity, especially for predicting gain of function variants. The methionine residue at this position is not highly evolutionarily conserved across the species assessed. We consider the clinical significance of SCNN1B c.1328T>C to be uncertain at this time.

NM_000336.3(SCNN1B):c.1328T>C (p.Met443Thr)

Gene: SCNN1B (sodium channel epithelial 1 subunit beta; plus strand). Cytogenetic location: 16p12.2.
Variant type: single nucleotide variant.
Coding change: c.1328T>C on transcript NM_000336.3 (MANE Select); coding-DNA position 1328, T replaced by C.
Protein change: p.Met443Thr; replaces methionine 443 with threonine.
Molecular consequence: missense variant.
Genome position (GRCh38, 1-based): chr16:23,377,222, T>C. VCF-style: chr16-23377222-T-C. GRCh37 (hg19) VCF-style: chr16-23388543-T-C.
Other names: c.1220T>C, p.Met407Thr (NM_001410900.1); c.1328T>C (NM_000336.2); short protein forms M407T, M443T.
Identifiers: ClinVar variation 2575223 (VCV002575223.8), dbSNP rs142572398, ClinGen allele CA7960465.